The following is an entry in ClinVar:

ClinVar aggregate classification (germline): Uncertain significance (1 of 4 stars; one submission).

Conditions:
Inborn genetic diseases. Identifiers: MedGen C0950123, MeSH D030342.

Submission:

Ambry Genetics
Classification: Uncertain significance for Inborn genetic diseases. Last evaluated: 2026-08-18. Review status: criteria provided, single submitter. Criteria: Ambry Variant Classification Scheme 2023. Collection method: clinical testing. Allele origin: germline.
Comment: The p.D356E variant (also known as c.1068C>G), located in coding exon 9 of the PAX5 gene, results from a C to G substitution at nucleotide position 1068. The aspartic acid at codon 356 is replaced by glutamic acid, an amino acid with highly similar properties. This amino acid position is conserved. In addition, this alteration is predicted to be tolerated by in silico analysis. Based on the available evidence, the clinical significance of this variant remains unclear.

NM_016734.3(PAX5):c.1068C>G (p.Asp356Glu)

Gene: PAX5 (paired box 5; minus strand). Cytogenetic location: 9p13.2.
Variant type: single nucleotide variant.
Coding change: c.1068C>G on transcript NM_016734.3 (MANE Select); coding-DNA position 1068, C replaced by G.
Protein change: p.Asp356Glu; replaces aspartic acid 356 with glutamic acid.
Molecular consequence: missense variant. On other transcripts: non-coding transcript variant (2), intron variant (5).
Genome position (GRCh38, 1-based): chr9:36,846,874, G>C on the plus strand (C>G on the coding strand, the complement: PAX5 is on the minus strand). VCF-style: chr9-36846874-G-C. GRCh37 (hg19) VCF-style: chr9-36846871-G-C.
Other names: c.966C>G, p.Asp322Glu (NM_001280547.2); c.836C>G, p.Thr279Ser (NM_001280549.2); c.939C>G, p.Asp313Glu (NM_001280554.2); c.768C>G, p.Asp256Glu (NM_001280555.2); c.744C>G, p.Asp248Glu (NM_001280556.2); c.587-6238C>G (NM_001280551.2); c.884-6238C>G (NM_001280553.2); c.781-6238C>G (NM_001280550.2); and 2 more; short protein forms D313E, D256E, D248E, D322E, D356E, T279S.
Identifiers: ClinVar variation 5026316 (VCV005026316.1).